The following is an entry in ClinVar:

NM_021930.6(RINT1):c.1709T>C (p.Phe570Ser)

Gene: RINT1 (RAD50 interactor 1; plus strand). Cytogenetic location: 7q22.3.
Variant type: single nucleotide variant.
Coding change: c.1709T>C on transcript NM_021930.6 (MANE Select); coding-DNA position 1709, T replaced by C.
Protein change: p.Phe570Ser; replaces phenylalanine 570 with serine.
Molecular consequence: missense variant. On other transcripts: non-coding transcript variant (1).
Genome position (GRCh38, 1-based): chr7:105,563,770, T>C. VCF-style: chr7-105563770-T-C. GRCh37 (hg19) VCF-style: chr7-105204217-T-C.
Other names: c.1475T>C, p.Phe492Ser (NM_001346599.2); c.686T>C, p.Phe229Ser (NM_001346600.2, NM_001346603.2); c.785T>C, p.Phe262Ser (NM_001346601.2); short protein forms F570S, F229S, F262S, F492S.
Identifiers: ClinVar variation 3314415 (VCV003314415.1).
Genomic context (GRCh38, chr7:105,563,770, plus strand): 5'-TGTTAACATGTTTTTGCTTTCAGTTCTTTCTACAACTTCAACAGGCTGCACTGGAGGTGT[T>C]TGCAGAGAATAATACTCTGAGTAAATTGCAGCTAGGACAGCTAGCCTCTATGGAGAGCTC-3'
Protein context (NP_068749.3, residues 560-580): LQLQQAALEV[Phe570Ser]AENNTLSKLQ

ClinVar aggregate classification (germline): Uncertain significance (1 of 4 stars; one submission).

gnomAD v4.1: 1 of 1,614,204 alleles (0.000062%); no homozygotes.

Submission:

Ambry Genetics
Classification: Uncertain significance. Last evaluated: 2024-05-06. Review status: criteria provided, single submitter. Criteria: Ambry Variant Classification Scheme 2023. Collection method: clinical testing. Allele origin: germline.
Comment: The p.F570S variant (also known as c.1709T>C), located in coding exon 12 of the RINT1 gene, results from a T to C substitution at nucleotide position 1709. The phenylalanine at codon 570 is replaced by serine, an amino acid with highly dissimilar properties. This amino acid position is conserved. In addition, this alteration is predicted to be tolerated by in silico analysis. Based on the available evidence, the clinical significance of this variant remains unclear.